The following is an entry in ClinVar:

NM_005267.5(GJA8):c.119C>T (p.Ala40Val)

Gene: GJA8 (gap junction protein alpha 8; plus strand). Cytogenetic location: 1q21.2.
Variant type: single nucleotide variant.
Coding change: c.119C>T on transcript NM_005267.5 (MANE Select); coding-DNA position 119, C replaced by T.
Protein change: p.Ala40Val; replaces alanine 40 with valine.
Molecular consequence: missense variant.
Genome position (GRCh38, 1-based): chr1:147,908,074, C>T. VCF-style: chr1-147908074-C-T. GRCh37 (hg19) VCF-style: chr1-147380201-C-T.
Other names: short protein forms A40V.
Identifiers: ClinVar variation 217324 (VCV000217324.2), dbSNP rs864309677, ClinGen allele CA278816.
Genomic context (GRCh38, chr1:147,908,074, plus strand): 5'-TCATCGGCAGAGTCTGGCTCACCGTGCTTTTCATCTTCCGGATCCTCATCCTTGGCACGG[C>T]CGCAGAGTTCGTGTGGGGGGATGAGCAATCCGACTTCGTGTGCAACACCCAGCAGCCTGG-3'
Protein context (NP_005258.2, residues 30-50): FIFRILILGT[Ala40Val]AEFVWGDEQS

ClinVar aggregate classification (germline): Uncertain significance. Review status: criteria provided, single submitter (1 of 4 stars). 2 submissions from 2 submitters: Uncertain significance (1). 1 of the submissions does not count toward it. Last evaluated 2023-01-21.

Conditions:
Developmental cataract. Also called: Congenital cataracts; Bilateral cataracts; Congenital cataract. Identifiers: MedGen C0009691, HP:0000519.
Cataract 1 multiple types. Also called: CATARACT, DUFFY-LINKED; CATARACT 1, POSTERIOR SUBCAPSULAR, WITH MICROCORNEA; CATARACT 1, STELLATE NUCLEAR, WITH MICROCORNEA; CATARACT 1, MULTIPLE TYPES, WITH OR WITHOUT MICROCORNEA; CATARACT 1, NUCLEAR PROGRESSIVE; CATARACT 1 WITH MICROCORNEA. Identifiers: Orphanet 1377, MedGen C1861828, MONDO:0007285, OMIM 116200.

Submissions (2):

Dept. Genetics and Cancer, Menzies Institute for Medical Research, University of Tasmania
Classification: Uncertain significance for Cataract 1 multiple types. Last evaluated: 2023-01-21. Review status: criteria provided, single submitter. Criteria: ACMG Guidelines, 2015. Collection method: curation. Allele origin: germline. Affected: yes.
Comment: Variant identified and curated during a GJA8 specific review of the literature in relation to pediatric or congenital cataract. ACMG-AMP criteria applied: PM1(Supporting), PM2(Supporting), PP3. Original variant report: PMID:26694549. The cataract phenotype reported for this variant is: Dense with anterior polar component. Additional phenotype/s reported in these individual/s are: Aphakic glaucoma and nystagmus. Gene review and curation guidelines are outlined in: DOI 10.1080/17469899.2023.2160320

Eye Genetics Research Group, Children's Medical Research Institute
Classification: Likely pathogenic for Developmental cataract. Last evaluated: 2015-01-09. Review status: no assertion criteria provided. Collection method: research. Allele origin: de novo. Affected: yes. Not counted in ClinVar's aggregate classification.

Literature cited by the submitters: PubMed 26694549 (cited by Dept. Genetics and Cancer, Menzies Institute for Medical Research, University of Tasmania and Eye Genetics Research Group, Children's Medical Research Institute).